The following is an entry in ClinVar:

NM_001291415.2(KDM6A):c.4087A>G (p.Ile1363Val)

Gene: KDM6A (lysine demethylase 6A; plus strand). Cytogenetic location: Xp11.3.
Variant type: single nucleotide variant.
Coding change: c.4087A>G on transcript NM_001291415.2 (MANE Select); coding-DNA position 4087, A replaced by G.
Protein change: p.Ile1363Val; replaces isoleucine 1363 with valine.
Molecular consequence: missense variant. On other transcripts: non-coding transcript variant (1).
Genome position (GRCh38, 1-based): chrX:45,107,462, A>G. VCF-style: chrX-45107462-A-G. GRCh37 (hg19) VCF-style: chrX-44966707-A-G.
Other names: c.3694A>G, p.Ile1232Val (NM_001291418.2); c.3043A>G, p.Ile1015Val (NM_001291421.2); c.3931A>G, p.Ile1311Val (NM_021140.4); c.3952A>G, p.Ile1318Val (NM_001291416.2); c.3796A>G, p.Ile1266Val (NM_001291417.2); short protein forms I1318V, I1363V, I1232V, I1266V, I1015V, I1311V.
Identifiers: ClinVar variation 1398753 (VCV001398753.8), dbSNP rs2148288652, ClinGen allele CA412774787.

ClinVar aggregate classification (germline): Uncertain significance (1 of 4 stars; one submission).

Conditions:
Kabuki syndrome 2 (KABUK2). Also called: KDM6A-Related Kabuki Syndrome. Identifiers: Orphanet 2322, MedGen C3275495, MONDO:0010465, OMIM 300867.

Submission:

Labcorp Genetics (formerly Invitae), Labcorp
Classification: Uncertain significance for Kabuki syndrome 2. Last evaluated: 2023-11-28. Review status: criteria provided, single submitter. Criteria: Invitae Variant Classification Sherloc (09022015). Collection method: clinical testing. Allele origin: germline.
Comment: This sequence change replaces isoleucine, which is neutral and non-polar, with valine, which is neutral and non-polar, at codon 1311 of the KDM6A protein (p.Ile1311Val). This variant is not present in population databases (gnomAD no frequency). This variant has not been reported in the literature in individuals affected with KDM6A-related conditions. ClinVar contains an entry for this variant (Variation ID: 1398753). Advanced modeling of protein sequence and biophysical properties (such as structural, functional, and spatial information, amino acid conservation, physicochemical variation, residue mobility, and thermodynamic stability) performed at Invitae indicates that this missense variant is not expected to disrupt KDM6A protein function with a negative predictive value of 80%. In summary, the available evidence is currently insufficient to determine the role of this variant in disease. Therefore, it has been classified as a Variant of Uncertain Significance.